The following is an entry in ClinVar:

NM_001276270.2(MBD4):c.1647+4A>G

Gene: MBD4 (methyl-CpG binding domain 4, DNA glycosylase; minus strand). Cytogenetic location: 3q21.3.
Variant type: single nucleotide variant.
Coding change: c.1647+4A>G on transcript NM_001276270.2 (MANE Select); 4 bases into the intron after coding-DNA position 1647, A replaced by G.
Molecular consequence: intron variant. On other transcripts: missense variant (1).
Genome position (GRCh38, 1-based): chr3:129,432,499, T>C on the plus strand (A>G on the coding strand, the complement: MBD4 is on the minus strand). VCF-style: chr3-129432499-T-C. GRCh37 (hg19) VCF-style: chr3-129151342-T-C.
Other names: c.1669A>G, p.Arg557Gly (NM_001276271.2); c.711+4A>G (NM_001276273.2); c.1612+57A>G (NM_001276272.2); c.1665+4A>G (NM_003925.3); short protein forms R557G.
Identifiers: ClinVar variation 3727052 (VCV003727052.3).

ClinVar aggregate classification (germline): Uncertain significance. Review status: criteria provided, multiple submitters, no conflicts (2 of 4 stars). 2 submissions from 2 submitters: Uncertain significance (2). Last evaluated 2025-07-11.

Conditions:
Inborn genetic diseases. Identifiers: MedGen C0950123, MeSH D030342.

gnomAD v4.1: 1 of 1,614,220 alleles (0.000062%); highest among the groups gnomAD compares: Non-Finnish European, 0.000085%; no homozygotes.

Submissions (2):

Ambry Genetics
Classification: Uncertain significance for Inborn genetic diseases. Last evaluated: 2025-07-11. Review status: criteria provided, single submitter. Criteria: Ambry Variant Classification Scheme 2023. Collection method: clinical testing. Allele origin: germline.
Comment: The c.1647+4A>G intronic variant results from an A to G substitution 4 nucleotides after coding exon 7 in the MBD4 gene. This nucleotide position is well conserved in available vertebrate species. In silico splice site analysis predicts that this alteration will weaken the native splice donor site. Based on the available evidence, the clinical significance of this variant remains unclear.

Labcorp Genetics (formerly Invitae), Labcorp
Classification: Uncertain significance. Last evaluated: 2024-12-12. Review status: criteria provided, single submitter. Criteria: Invitae Variant Classification Sherloc (09022015). Collection method: clinical testing. Allele origin: germline.
Comment: This sequence change falls in intron 7 of the MBD4 gene. It does not directly change the encoded amino acid sequence of the MBD4 protein. It affects a nucleotide within the consensus splice site. This variant is not present in population databases (gnomAD no frequency). This variant has not been reported in the literature in individuals affected with MBD4-related conditions. Variants that disrupt the consensus splice site are a relatively common cause of aberrant splicing (PMID: 17576681, 9536098). Algorithms developed to predict the effect of sequence changes on RNA splicing suggest that this variant may disrupt the consensus splice site. In summary, the available evidence is currently insufficient to determine the role of this variant in disease. Therefore, it has been classified as a Variant of Uncertain Significance.

Literature cited by the submitters: PubMed 17576681 (cited by Labcorp Genetics (formerly Invitae), Labcorp); PubMed 9536098 (cited by Labcorp Genetics (formerly Invitae), Labcorp).